The following is an entry in ClinVar:

ClinVar aggregate classification (germline): Uncertain significance (1 of 4 stars; one submission).

Allele frequency attached by ClinVar (database versions not stated): gnomAD exomes below 0.00001; ExAC 0.00001; gnomAD 0.00001.

Submission:

Labcorp Genetics (formerly Invitae), Labcorp
Classification: Uncertain significance. Last evaluated: 2021-12-02. Review status: criteria provided, single submitter. Criteria: Invitae Variant Classification Sherloc (09022015). Collection method: clinical testing. Allele origin: germline.
Comment: This variant is present in population databases (rs750322595, gnomAD 0.002%). This sequence change affects codon 194 of the TMEM106B mRNA. It is a 'silent' change, meaning that it does not change the encoded amino acid sequence of the TMEM106B protein. It affects a nucleotide within the consensus splice site. This variant has not been reported in the literature in individuals affected with TMEM106B-related conditions. In summary, the available evidence is currently insufficient to determine the role of this variant in disease. Therefore, it has been classified as a Variant of Uncertain Significance. Algorithms developed to predict the effect of sequence changes on RNA splicing suggest that this variant may create or strengthen a splice site.

NM_001134232.2(TMEM106B):c.582A>G (p.Gln194=)

Gene: TMEM106B (transmembrane protein 106B; plus strand). Cytogenetic location: 7p21.3.
Variant type: single nucleotide variant.
Coding change: c.582A>G on transcript NM_001134232.2 (MANE Select); coding-DNA position 582, A replaced by G.
Protein change: p.Gln194=; no amino-acid change (glutamine 194 retained).
Molecular consequence: synonymous variant.
Genome position (GRCh38, 1-based): chr7:12,229,819, A>G. VCF-style: chr7-12229819-A-G. GRCh37 (hg19) VCF-style: chr7-12269445-A-G.
Other names: c.582A>G, p.Gln194= (NM_018374.4).
Identifiers: ClinVar variation 1496652 (VCV001496652.6), dbSNP rs750322595, ClinGen allele CA4165134.